The following is an entry in ClinVar:

ClinVar aggregate classification (germline): not provided (0 of 4 stars; one submission).

Allele frequency attached by ClinVar (database versions not stated): 1000 Genomes Project 0.00180; gnomAD 0.00189 and 0.00204; TOPMed 0.00218; 1000 Genomes Project 30x 0.00219.
gnomAD v4.1: 286 of 152,266 alleles (0.19%); highest among the groups gnomAD compares: African/African-American, 0.64%; no homozygotes.

Submission:

Human Evolutionary Genetics, Institut Pasteur
No classification provided. Review status: no classification provided. Collection method: not provided. Allele origin: germline.
ClinVar note: Converted during submission from untested to not provided.

NM_033004.4(NLRP1):c.4057+205G>C

Gene: NLRP1 (NLR family pyrin domain containing 1; minus strand). Cytogenetic location: 17p13.2.
Variant type: single nucleotide variant.
Coding change: c.4057+205G>C on transcript NM_033004.4 (MANE Select); 205 bases into the intron after coding-DNA position 4057, G replaced by C.
Molecular consequence: intron variant.
Genome position (GRCh38, 1-based): chr17:5,517,541, C>G on the plus strand (G>C on the coding strand, the complement: NLRP1 is on the minus strand). VCF-style: chr17-5517541-C-G. GRCh37 (hg19) VCF-style: chr17-5420861-C-G.
Other names: c.4069+205G>C (NM_001033053.3); c.3835+205G>C (NM_033007.4); c.3967+205G>C (NM_033006.4); c.3925+205G>C (NM_014922.5).
Identifiers: ClinVar variation 103028 (VCV000103028.2), dbSNP rs199476217, ClinGen allele CA018523.